The following is an entry in ClinVar:

NM_000179.3(MSH6):c.809del (p.Lys270fs)

Gene: MSH6 (mutS homolog 6; plus strand). Cytogenetic location: 2p16.3.
Variant type: Deletion.
Coding change: c.809del on transcript NM_000179.3 (MANE Select); coding-DNA position 809, one base deleted (A; older notation c.809delA).
Protein change: p.Lys270fs; shifts the reading frame from lysine 270.
Molecular consequence: frameshift variant. On other transcripts: 5 prime UTR variant (2).
Genome position (GRCh38, 1-based): chr2:47,798,792, A deleted; the last of 2 consecutive A bases (chr2:47,798,791-47,798,792); deleting either gives the same sequence. VCF-style (leftmost placement, unchanged base first): chr2-47798790-TA-T. GRCh37 (hg19) VCF-style: chr2-48025929-TA-T.
Other names: c.419del, p.Lys140fs (NM_001281492.2); c.-98del (NM_001281493.2, NM_001281494.2); c.809delA (NM_000179.2); short protein forms K140fs.
Identifiers: ClinVar variation 428299 (VCV000428299.16), dbSNP rs1114167696, ClinGen allele CA645369244.

ClinVar aggregate classification (germline): Pathogenic. Review status: criteria provided, multiple submitters, no conflicts (2 of 4 stars). 3 submissions from 3 submitters: Pathogenic (3). Last evaluated 2025-04-17.

Conditions:
Hereditary nonpolyposis colorectal neoplasms. Identifiers: MedGen C0009405, MeSH D003123.
Hereditary cancer-predisposing syndrome. Also called: Hereditary Cancer Syndrome; Neoplastic Syndromes, Hereditary; Hereditary neoplastic syndrome; Tumor predisposition. Identifiers: Orphanet 140162, MedGen C0027672, MeSH D009386, MONDO:0015356.

Submissions (3):

Labcorp Genetics (formerly Invitae), Labcorp
Classification: Pathogenic for Hereditary nonpolyposis colorectal neoplasms. Last evaluated: 2025-04-17. Review status: criteria provided, single submitter. Criteria: Invitae Variant Classification Sherloc (09022015). Collection method: clinical testing. Allele origin: germline.
Comment: This sequence change creates a premature translational stop signal (p.Lys270Argfs*9) in the MSH6 gene. It is expected to result in an absent or disrupted protein product. Loss-of-function variants in MSH6 are known to be pathogenic (PMID: 18269114, 24362816). This variant is not present in population databases (gnomAD no frequency). This variant has not been reported in the literature in individuals affected with MSH6-related conditions. ClinVar contains an entry for this variant (Variation ID: 428299). For these reasons, this variant has been classified as Pathogenic.

Ambry Genetics
Classification: Pathogenic for Hereditary cancer-predisposing syndrome. Last evaluated: 2021-01-05. Review status: criteria provided, single submitter. Criteria: Ambry Variant Classification Scheme 2023. Collection method: clinical testing. Allele origin: germline.
Comment: The c.809delA pathogenic mutation, located in coding exon 4 of the MSH6 gene, results from a deletion of one nucleotide at nucleotide position 809, causing a translational frameshift with a predicted alternate stop codon (p.K270Rfs*9). This alteration is expected to result in loss of function by premature protein truncation or nonsense-mediated mRNA decay. As such, this alteration is interpreted as a disease-causing mutation.

Quest Diagnostics Nichols Institute San Juan Capistrano
Classification: Pathogenic. Last evaluated: 2018-03-06. Review status: criteria provided, single submitter. Criteria: Quest Diagnostics criteria. Collection method: clinical testing. Allele origin: germline.

Literature cited by the submitters: PubMed 18269114 (cited by Labcorp Genetics (formerly Invitae), Labcorp); PubMed 24362816 (cited by Labcorp Genetics (formerly Invitae), Labcorp).